The following is an entry in ClinVar:

ClinVar aggregate classification (germline): Pathogenic (1 of 4 stars; one submission).

Conditions:
Townes-Brocks syndrome 1 (TBS1). Also called: SALL1-Related Townes-Brocks Syndrome; DEAFNESS, SENSORINEURAL, WITH IMPERFORATE ANUS AND THUMB ANOMALIES; REAR SYNDROME; RENAL-EAR-ANAL-RADIAL SYNDROME. Identifiers: Orphanet 857, MedGen C4551481, MONDO:0054581, OMIM 107480.

Submission:

Centre de Biologie Pathologie Génétique, Centre Hospitalier Universitaire de Lille
Classification: Pathogenic for Townes-Brocks syndrome 1. Last evaluated: 2025-02-27. Review status: criteria provided, single submitter. Criteria: ACMG Guidelines, 2015. Collection method: clinical testing. Allele origin: inherited. Inheritance: Autosomal dominant inheritance. Affected: yes.
Comment: PVS1 + PM2 + PP4

NM_002968.3(SALL1):c.278del (p.Asn93fs)

Gene: SALL1 (spalt like transcription factor 1; minus strand). Cytogenetic location: 16q12.1.
Variant type: Deletion.
Coding change: c.278del on transcript NM_002968.3 (MANE Select); coding-DNA position 278, one base deleted (A; older notation c.278delA).
Protein change: p.Asn93fs; shifts the reading frame from asparagine 93.
Molecular consequence: frameshift variant. On other transcripts: 5 prime UTR variant (1).
Genome position (GRCh38, 1-based): chr16:51,141,944, T deleted on the plus strand (A on the coding strand, the reverse complement: SALL1 is on the minus strand); the first of 2 consecutive T bases (chr16:51,141,944-51,141,945); deleting either gives the same sequence. VCF-style (leftmost placement, unchanged base first): chr16-51141943-AT-A. GRCh37 (hg19) VCF-style: chr16-51175854-AT-A.
Other names: c.-14del (NM_001127892.2); short protein forms N93fs.
Identifiers: ClinVar variation 3765531 (VCV003765531.1).